The following is an entry in ClinVar:

NM_005121.3(MED13):c.4098_4099del (p.Asp1368fs)

Gene: MED13 (mediator complex subunit 13; minus strand). Cytogenetic location: 17q23.2.
Variant type: Deletion.
Coding change: c.4098_4099del on transcript NM_005121.3 (MANE Select); coding-DNA positions 4098 to 4099, 2 bases deleted (AA; older notation c.4098_4099delAA).
Protein change: p.Asp1368fs; shifts the reading frame from aspartic acid 1368.
Molecular consequence: frameshift variant.
Genome position (GRCh38, 1-based): chr17:61,968,127-61,968,128, TT deleted on the plus strand (AA on the coding strand, the reverse complement: MED13 is on the minus strand); deleting any 2 consecutive bases within chr17:61,968,127-61,968,129 gives the same sequence; the c. name uses the placement nearest the transcript's 3' end. VCF-style (leftmost placement, unchanged base first): chr17-61968126-CTT-C. GRCh37 (hg19) VCF-style: chr17-60045487-CTT-C.
Other names: short protein forms D1368fs.
Identifiers: ClinVar variation 4851585 (VCV004851585.1).

ClinVar aggregate classification (germline): Pathogenic (1 of 4 stars; one submission).

Conditions:
Intellectual developmental disorder 61. Also called: INTELLECTUAL DEVELOPMENTAL DISORDER, AUTOSOMAL DOMINANT 61; MENTAL RETARDATION, AUTOSOMAL DOMINANT 61. Identifiers: MedGen C5231400, MONDO:0032485, OMIM 618009.

Submission:

CGC Genetics, Unilabs
Classification: Pathogenic for Intellectual developmental disorder 61. Last evaluated: 2025-10-24. Review status: criteria provided, single submitter. Criteria: ACMG Guidelines, 2015. Collection method: clinical testing. Allele origin: germline. Inheritance: Autosomal dominant inheritance. Affected: yes. Observed: 1 variant allele.
Comment: The NM_005121.3:c.4098_4099del p.(Asp1368Tyrfs*11) variant, detected in heterozygosity in exon 18 (of 30) of the MED13 gene (chr.17), has been described in the literature as a de novo variant in patients with neurodevelopmental disorders. This variant is not reported in the gnomAD population database. Given its nature (frameshift), it is expected to introduce a premature stop codon and consequently produce a truncated protein and/or loss of expression due tomRNA degradation. Based on the information currently available, this should be classified as pathogenic variant.